The following is an entry in ClinVar:

ClinVar aggregate classification (germline): Likely benign. Review status: reviewed by expert panel (3 of 4 stars). 9 submissions from 9 submitters: Likely benign (1). 8 of the submissions do not count toward it. Last evaluated 2017-06-29.

Conditions:
BRCA2-related cancer predisposition. Identifiers: MedGen CN377758, MONDO:0700269.
Hereditary cancer-predisposing syndrome. Also called: Tumor predisposition; Neoplastic Syndromes, Hereditary; Hereditary neoplastic syndrome; Hereditary Cancer Syndrome. Identifiers: Orphanet 140162, MedGen C0027672, MeSH D009386, MONDO:0015356.
Hereditary breast ovarian cancer syndrome. Also called: Hereditary breast and ovarian cancer syndrome; Hereditary breast and ovarian cancer syndrome (HBOC); Hereditary breast and ovarian cancer; Breast and ovarian cancer; BRCA1- and BRCA2-Associated Hereditary Breast and Ovarian Cancer; Hereditary breast and/or ovarian cancer syndrome. Identifiers: Orphanet 145, MedGen C0677776, MeSH D061325, MONDO:0003582. Disease mechanism: loss of function.
Breast-ovarian cancer, familial, susceptibility to, 2 (BROVCA2). Also called: BRCA2 Hereditary Breast and Ovarian Cancer. Identifiers: Orphanet 145, MedGen C2675520, MONDO:0012933, OMIM 612555. Disease mechanism: loss of function.

Allele frequency attached by ClinVar (database versions not stated): TOPMed below 0.00001.

Submissions (9):

Evidence-based Network for the Interpretation of Germline Mutant Alleles (ENIGMA)
Classification: Likely benign for Breast-ovarian cancer, familial, susceptibility to, 2. Last evaluated: 2017-06-29. Review status: reviewed by expert panel. Criteria: ENIGMA BRCA1/2 Classification Criteria (2017-06-29). Collection method: curation. Allele origin: germline.
Comment: Synonymous substitution variant, with low bioinformatic likelihood to result in a splicing aberration (Splicing prior probability 0.02).

Labcorp Genetics (formerly Invitae), Labcorp
Classification: Likely benign for Hereditary breast ovarian cancer syndrome. Last evaluated: 2025-11-26. Review status: criteria provided, single submitter. Criteria: Invitae Variant Classification Sherloc (09022015). Collection method: clinical testing. Allele origin: germline. Not counted in ClinVar's aggregate classification.

Blueprint Genetics
Classification: Likely benign. Last evaluated: 2024-04-19. Review status: criteria provided, single submitter. Criteria: ACMG Guidelines, 2015. Collection method: clinical testing. Allele origin: germline. Not counted in ClinVar's aggregate classification.

Quest Diagnostics Nichols Institute San Juan Capistrano
Classification: Likely benign. Last evaluated: 2023-07-21. Review status: criteria provided, single submitter. Criteria: Quest Diagnostics criteria. Collection method: clinical testing. Allele origin: unknown. Not counted in ClinVar's aggregate classification.

Department of Pathology and Laboratory Medicine, Sinai Health System
Classification: Likely benign for BRCA2-related cancer predisposition. Last evaluated: 2019-10-02. Review status: criteria provided, single submitter. Criteria: ACMG Guidelines, 2015. Collection method: clinical testing. Allele origin: germline. Affected: no. Not counted in ClinVar's aggregate classification.

Women's Health and Genetics/Laboratory Corporation of America, LabCorp
Classification: Likely benign. Last evaluated: 2019-08-21. Review status: criteria provided, single submitter. Criteria: LabCorp Variant Classification Summary - May 2015. Collection method: clinical testing. Allele origin: germline. Not counted in ClinVar's aggregate classification.

GeneDx
Classification: Likely benign. Last evaluated: 2019-07-18. Review status: criteria provided, single submitter. Criteria: GeneDx Variant Classification Process June 2021. Collection method: clinical testing. Allele origin: germline. Affected: yes. Not counted in ClinVar's aggregate classification.
Comment: This variant is associated with the following publications: (PMID: 20104584)

Color Diagnostics, LLC DBA Color Health
Classification: Likely benign for Hereditary cancer-predisposing syndrome. Last evaluated: 2017-05-10. Review status: criteria provided, single submitter. Criteria: ACMG Guidelines, 2015. Collection method: clinical testing. Allele origin: germline. Not counted in ClinVar's aggregate classification.

Ambry Genetics
Classification: Likely benign for Hereditary cancer-predisposing syndrome. Last evaluated: 2014-10-17. Review status: criteria provided, single submitter. Criteria: Ambry Variant Classification Scheme 2023. Collection method: clinical testing. Allele origin: germline. Not counted in ClinVar's aggregate classification.

Literature cited by the submitters: PubMed 20104584 (cited by Department of Pathology and Laboratory Medicine, Sinai Health System).

NM_000059.4(BRCA2):c.4830G>T (p.Val1610=)

Gene: BRCA2 (BRCA2 DNA repair associated; plus strand). Cytogenetic location: 13q13.1.
Variant type: single nucleotide variant.
Coding change: c.4830G>T on transcript NM_000059.4 (MANE Select); coding-DNA position 4830, G replaced by T.
Protein change: p.Val1610=; no amino-acid change (valine 1610 retained).
Molecular consequence: synonymous variant.
Genome position (GRCh38, 1-based): chr13:32,339,185, G>T. VCF-style: chr13-32339185-G-T. GRCh37 (hg19) VCF-style: chr13-32913322-G-T.
Identifiers: ClinVar variation 186879 (VCV000186879.26), dbSNP rs80359789, ClinGen allele CA020890.